The following is an entry in ClinVar:

ClinVar aggregate classification (germline): Pathogenic (1 of 4 stars; one submission).

Conditions:
Familial intrahepatic cholestasis. Identifiers: Orphanet 284385, MedGen CN296401, MONDO:0017290.

Submission:

Genomenon, Inc
Classification: Pathogenic for Familial intrahepatic cholestasis. Last evaluated: 2026-04-14. Review status: criteria provided, single submitter. Criteria: Genomenon Sequence Variant Interpretation Standards - Updated. Collection method: curation. Allele origin: germline. Affected: yes.
Comment: ABCB11 p.Gln976Ter (c.2926C>T) is a nonsense variant that introduces a premature stop codon at amino acid position 976, creating a truncated protein that is predicted to undergo nonsense-mediated mRNA decay. This variant has been observed in at least one proband with an ABCB11-related disorder (PMID:26516723). It is absent or not present at a significant frequency in gnomAD. In conclusion, we classify ABCB11 p.Gln976Ter (c.2926C>T) as a pathogenic variant.

Literature cited by the submitters: PubMed 26516723.

NM_003742.4(ABCB11):c.2926C>T (p.Gln976Ter)

Gene: ABCB11 (ATP binding cassette subfamily B member 11; minus strand). Cytogenetic location: 2q31.1.
Variant type: single nucleotide variant.
Coding change: c.2926C>T on transcript NM_003742.4 (MANE Select); coding-DNA position 2926, C replaced by T.
Protein change: p.Gln976Ter; replaces glutamine 976 with a stop codon.
Molecular consequence: nonsense.
Genome position (GRCh38, 1-based): chr2:168,935,314, G>A on the plus strand (C>T on the coding strand, the complement: ABCB11 is on the minus strand). VCF-style: chr2-168935314-G-A. GRCh37 (hg19) VCF-style: chr2-169791824-G-A.
Other names: short protein forms Q976*.
Identifiers: ClinVar variation 4846141 (VCV004846141.1).